The following is an entry in ClinVar:

NM_001035.3(RYR2):c.4307A>G (p.Gln1436Arg)

Gene: RYR2 (ryanodine receptor 2; plus strand). Cytogenetic location: 1q43.
Variant type: single nucleotide variant.
Coding change: c.4307A>G on transcript NM_001035.3 (MANE Select); coding-DNA position 4307, A replaced by G.
Protein change: p.Gln1436Arg; replaces glutamine 1436 with arginine.
Molecular consequence: missense variant.
Genome position (GRCh38, 1-based): chr1:237,593,507, A>G. VCF-style: chr1-237593507-A-G. GRCh37 (hg19) VCF-style: chr1-237756807-A-G.
Other names: c.4307A>G, p.Gln1436Arg (LRG_402t1); short protein forms Q1436R.
Identifiers: ClinVar variation 393188 (VCV000393188.2), dbSNP rs1057524827, ClinGen allele CA16603556.

ClinVar aggregate classification (germline): Uncertain significance (1 of 4 stars; one submission).

Allele frequency attached by ClinVar (database versions not stated): gnomAD exomes below 0.00001.
gnomAD v4.1: 1 of 1,613,716 alleles (0.000062%); highest among the groups gnomAD compares: Non-Finnish European, 0.000085%; no homozygotes.

Submission:

GeneDx
Classification: Uncertain significance. Last evaluated: 2017-01-30. Review status: criteria provided, single submitter. Criteria: GeneDx Variant Classification (06012015). Collection method: clinical testing. Allele origin: germline. Affected: yes.
Comment: A variant of uncertain significance has been identified in the RYR2 gene. The Q1436R variant has not been published as pathogenic or been reported as benign to our knowledge. Q1436R is not observed in large population cohorts (Lek et al., 2016; 1000 Genomes Consortium et al., 2015; Exome Variant Server). The Q1436R variant is a semi-conservative amino acid substitution, which may impact secondary protein structure as these residues differ in some properties. Moreover, this substitution occurs at a position that is conserved across species, and in silico analysis predicts this variant is probably damaging to the protein structure/function. Nevertheless, Q1436R is not located in one of the three hot-spot regions of the RYR2 gene, where the majority of pathogenic missense variants occur (Medeiros-Domingo et al., 2009).